The following is an entry in ClinVar:

ClinVar aggregate classification (germline): Uncertain significance. Review status: criteria provided, multiple submitters, no conflicts (2 of 4 stars). 2 submissions from 2 submitters: Uncertain significance (2). Last evaluated 2025-03-01.

Conditions:
Inborn genetic diseases. Identifiers: MedGen C0950123, MeSH D030342.

gnomAD v4.1: 1 of 1,614,146 alleles (0.000062%); highest among the groups gnomAD compares: Non-Finnish European, 0.000085%; no homozygotes.

Submissions (2):

Ambry Genetics
Classification: Uncertain significance for Inborn genetic diseases. Last evaluated: 2025-03-01. Review status: criteria provided, single submitter. Criteria: Ambry Variant Classification Scheme 2023. Collection method: clinical testing. Allele origin: germline.

Labcorp Genetics (formerly Invitae), Labcorp
Classification: Uncertain significance. Last evaluated: 2023-09-27. Review status: criteria provided, single submitter. Criteria: Invitae Variant Classification Sherloc (09022015). Collection method: clinical testing. Allele origin: germline.
Comment: This sequence change replaces isoleucine, which is neutral and non-polar, with threonine, which is neutral and polar, at codon 1311 of the TCF20 protein (p.Ile1311Thr). This variant is not present in population databases (gnomAD no frequency). This variant has not been reported in the literature in individuals affected with TCF20-related conditions. An algorithm developed to predict the effect of missense changes on protein structure and function (PolyPhen-2) suggests that this variant is likely to be tolerated. In summary, the available evidence is currently insufficient to determine the role of this variant in disease. Therefore, it has been classified as a Variant of Uncertain Significance.

NM_001378418.1(TCF20):c.3932T>C (p.Ile1311Thr)

Gene: TCF20 (transcription factor 20; minus strand). Cytogenetic location: 22q13.2.
Variant type: single nucleotide variant.
Coding change: c.3932T>C on transcript NM_001378418.1 (MANE Select); coding-DNA position 3932, T replaced by C.
Protein change: p.Ile1311Thr; replaces isoleucine 1311 with threonine.
Molecular consequence: missense variant.
Genome position (GRCh38, 1-based): chr22:42,211,374, A>G on the plus strand (T>C on the coding strand, the complement: TCF20 is on the minus strand). VCF-style: chr22-42211374-A-G. GRCh37 (hg19) VCF-style: chr22-42607380-A-G.
Other names: c.3932T>C (NM_005650.1); c.3932T>C, p.Ile1311Thr (NM_005650.4, NM_181492.3); short protein forms I1311T.
Identifiers: ClinVar variation 2963458 (VCV002963458.4), dbSNP rs2518211047, ClinGen allele CA411785402.
Genomic context (GRCh38, chr22:42,211,374, plus strand): 5'-ACAGCAGGGCAGTTTCTACTATCTGGACTTGGAAGGTCCTTGGAGGAATCTCTCTTAGGG[A>G]TAGACTTGATATCCTGACTGTGAGAAAGATGGGCATAGGAATTGAATGCTTTATCAGCGC-3'
Protein context (NP_001365347.1, residues 1301-1321): HLSHSQDIKS[Ile1311Thr]PKRDSSKDLP